The following is an entry in ClinVar:

ClinVar aggregate classification (germline): Conflicting classifications of pathogenicity. Review status: criteria provided, conflicting classifications (1 of 4 stars). 4 submissions from 4 submitters: Uncertain significance (1); Likely benign (3). Last evaluated 2025-10-27.

Conditions:
Hereditary cancer-predisposing syndrome. Also called: Hereditary neoplastic syndrome; Neoplastic Syndromes, Hereditary; Tumor predisposition; Hereditary Cancer Syndrome. Identifiers: Orphanet 140162, MedGen C0027672, MeSH D009386, MONDO:0015356.
Microcephaly, normal intelligence and immunodeficiency (NBS). Also called: IMMUNODEFICIENCY, MICROCEPHALY, AND CHROMOSOMAL INSTABILITY; SEEMANOVA SYNDROME II; Nijmegen breakage syndrome; Microcephaly with normal intelligence immunodeficiency and lymphoreticular malignancies; Nonsyndromal microcephaly autosomal recessive with normal intelligence; Seemanova syndrome 2. Identifiers: Orphanet 647, MedGen C0398791, MONDO:0009623, OMIM 251260.

Allele frequency attached by ClinVar (database versions not stated): gnomAD exomes below 0.00001.
gnomAD v4.1: 2 of 1,613,170 alleles (0.00012%); highest among the groups gnomAD compares: Non-Finnish European, 0.00017%; no homozygotes.

Submissions (4):

Labcorp Genetics (formerly Invitae), Labcorp
Classification: Likely benign for Microcephaly, normal intelligence and immunodeficiency. Last evaluated: 2025-10-27. Review status: criteria provided, single submitter. Criteria: Invitae Variant Classification Sherloc (09022015). Collection method: clinical testing. Allele origin: germline.

Genome-Nilou Lab
Classification: Uncertain significance for Microcephaly, normal intelligence and immunodeficiency. Last evaluated: 2021-11-07. Review status: criteria provided, single submitter. Criteria: ACMG Guidelines, 2015. Collection method: clinical testing. Allele origin: germline. Affected: no.

GeneDx
Classification: Likely benign. Last evaluated: 2017-04-07. Review status: criteria provided, single submitter. Criteria: GeneDx Variant Classification (06012015). Collection method: clinical testing. Allele origin: germline. Affected: yes.
Comment: This variant is considered likely benign or benign based on one or more of the following criteria: it is a conservative change, it occurs at a poorly conserved position in the protein, it is predicted to be benign by multiple in silico algorithms, and/or has population frequency not consistent with disease.

Ambry Genetics
Classification: Likely benign for Hereditary cancer-predisposing syndrome. Last evaluated: 2016-10-11. Review status: criteria provided, single submitter. Criteria: Ambry Variant Classification Scheme 2023. Collection method: clinical testing. Allele origin: germline.

NM_002485.5(NBN):c.27C>T (p.Gly9=)

Gene: NBN (nibrin; minus strand). Cytogenetic location: 8q21.3.
Variant type: single nucleotide variant.
Coding change: c.27C>T on transcript NM_002485.5 (MANE Select); coding-DNA position 27, C replaced by T.
Protein change: p.Gly9=; no amino-acid change (glycine 9 retained).
Molecular consequence: synonymous variant. On other transcripts: 5 prime UTR variant (1).
Genome position (GRCh38, 1-based): chr8:89,984,535, G>A on the plus strand (C>T on the coding strand, the complement: NBN is on the minus strand). VCF-style: chr8-89984535-G-A. GRCh37 (hg19) VCF-style: chr8-90996763-G-A.
Other names: c.-270C>T (NM_001024688.3).
Identifiers: ClinVar variation 483976 (VCV000483976.19), dbSNP rs1554569662, ClinGen allele CA461831602.